The following is an entry in ClinVar:

NM_001430.5(EPAS1):c.1930C>A (p.Pro644Thr)

Gene: EPAS1 (endothelial PAS domain protein 1; plus strand). Cytogenetic location: 2p21.
Variant type: single nucleotide variant.
Coding change: c.1930C>A on transcript NM_001430.5 (MANE Select); coding-DNA position 1930, C replaced by A.
Protein change: p.Pro644Thr; replaces proline 644 with threonine.
Molecular consequence: missense variant.
Genome position (GRCh38, 1-based): chr2:46,380,602, C>A. VCF-style: chr2-46380602-C-A. GRCh37 (hg19) VCF-style: chr2-46607741-C-A.
Other names: short protein forms P644T.
Identifiers: ClinVar variation 2710942 (VCV002710942.3), dbSNP rs1684865798, ClinGen allele CA346705173.

ClinVar aggregate classification (germline): Uncertain significance (1 of 4 stars; one submission).

Submission:

Labcorp Genetics (formerly Invitae), Labcorp
Classification: Uncertain significance. Last evaluated: 2024-01-24. Review status: criteria provided, single submitter. Criteria: Invitae Variant Classification Sherloc (09022015). Collection method: clinical testing. Allele origin: germline.
Comment: This sequence change replaces proline, which is neutral and non-polar, with threonine, which is neutral and polar, at codon 644 of the EPAS1 protein (p.Pro644Thr). This variant is not present in population databases (gnomAD no frequency). This variant has not been reported in the literature in individuals affected with EPAS1-related conditions. An algorithm developed to predict the effect of missense changes on protein structure and function (PolyPhen-2) suggests that this variant is likely to be disruptive. In summary, the available evidence is currently insufficient to determine the role of this variant in disease. Therefore, it has been classified as a Variant of Uncertain Significance.